The following is an entry in ClinVar:

NC_000007.14:g.(?_117504240)_(117509152_?)del

Gene: CFTR (CF transmembrane conductance regulator; plus strand). Cytogenetic location: 7q31.2.
Variant type: Deletion.
Identifiers: ClinVar variation 832554 (VCV000832554.1).

ClinVar aggregate classification (germline): Pathogenic (1 of 4 stars; one submission).

Conditions:
Cystic fibrosis (CF). Also called: MUCOVISCIDOSIS. Identifiers: Orphanet 586, MedGen C0010674, MONDO:0009061, OMIM 219700. Disease mechanism: loss of function.

Submission:

Labcorp Genetics (formerly Invitae), Labcorp
Classification: Pathogenic for Cystic fibrosis. Last evaluated: 2019-11-06. Review status: criteria provided, single submitter. Criteria: Invitae Variant Classification Sherloc (09022015). Collection method: clinical testing. Allele origin: germline.
Comment: This variant is an out-of-frame deletion of the genomic region encompassing exons 2-3 of the CFTR gene. This is expected to create a premature translational stop signal and result in an absent or disrupted protein product. A similar deletion of exons 2-3 has been reported in several individuals affected with cystic fibrosis (PMID: 10798353, 23775370, 21228398, 20560922, 18683213, 23974870, 23687349). This variant is also known as CFTRdele2,3, CFTRdel2,3, and deletion of introns 1-3 in the literature. Loss-of-function variants in CFTR are known to be pathogenic (PMID: 1695717, 7691345, 9725922). For these reasons, this variant has been classified as Pathogenic.

Literature cited by the submitters: PubMed 23775370; PubMed 18683213; PubMed 21228398; PubMed 23687349; PubMed 23974870; PubMed 20560922; PubMed 10798353.